The following is an entry in ClinVar:

NM_025099.6(CTC1):c.1043G>A (p.Ser348Asn)

Gene: CTC1 (CST telomere replication complex component 1; minus strand). Cytogenetic location: 17p13.1.
Variant type: single nucleotide variant.
Coding change: c.1043G>A on transcript NM_025099.6 (MANE Select); coding-DNA position 1043, G replaced by A.
Protein change: p.Ser348Asn; replaces serine 348 with asparagine.
Molecular consequence: missense variant. On other transcripts: non-coding transcript variant (1).
Genome position (GRCh38, 1-based): chr17:8,236,092, C>T on the plus strand (G>A on the coding strand, the complement: CTC1 is on the minus strand). VCF-style: chr17-8236092-C-T. GRCh37 (hg19) VCF-style: chr17-8139410-C-T.
Other names: c.1043G>A (NM_025099.5); short protein forms S348N.
Identifiers: ClinVar variation 1383650 (VCV001383650.7), dbSNP rs372396041, ClinGen allele CA8372493.

ClinVar aggregate classification (germline): Uncertain significance. Review status: criteria provided, multiple submitters, no conflicts (2 of 4 stars). 2 submissions from 2 submitters: Uncertain significance (2). Last evaluated 2026-04-16.

Conditions:
CTC1-related disorder. Also called: CTC1-related condition.
Dyskeratosis congenita. Identifiers: Orphanet 1775, MedGen C0265965, MONDO:0015780.

Allele frequency attached by ClinVar (database versions not stated): gnomAD exomes below 0.00001 and 0.00001; ExAC 0.00002; TOPMed 0.00002; gnomAD 0.00003 and 0.00004; ESP Exome Variant Server 0.00008.
gnomAD v4.1: 6 of 1,614,054 alleles (0.00037%); highest among the groups gnomAD compares: African/African-American, 0.008%; no homozygotes.

Submissions (2):

PreventionGenetics, part of Exact Sciences
Classification: Uncertain significance for CTC1-related condition. Last evaluated: 2026-04-16. Review status: criteria provided, single submitter. Criteria: ACMG Guidelines, 2015. Collection method: clinical testing. Allele origin: germline.
Comment: The CTC1 c.1043G>A variant is predicted to result in the amino acid substitution p.Ser348Asn. To our knowledge, this variant has not been reported in the literature. This variant is reported in 0.019% of alleles in individuals of African descent in gnomAD. At this time, the clinical significance of this variant is uncertain due to the absence of conclusive functional and genetic evidence.

Labcorp Genetics (formerly Invitae), Labcorp
Classification: Uncertain significance for Dyskeratosis congenita. Last evaluated: 2022-08-16. Review status: criteria provided, single submitter. Criteria: Invitae Variant Classification Sherloc (09022015). Collection method: clinical testing. Allele origin: germline.
Comment: In summary, the available evidence is currently insufficient to determine the role of this variant in disease. Therefore, it has been classified as a Variant of Uncertain Significance. Algorithms developed to predict the effect of missense changes on protein structure and function are either unavailable or do not agree on the potential impact of this missense change (SIFT: "Deleterious"; PolyPhen-2: "Benign"; Align-GVGD: "Class C0"). ClinVar contains an entry for this variant (Variation ID: 1383650). This variant has not been reported in the literature in individuals affected with CTC1-related conditions. This variant is present in population databases (rs372396041, gnomAD 0.02%). This sequence change replaces serine, which is neutral and polar, with asparagine, which is neutral and polar, at codon 348 of the CTC1 protein (p.Ser348Asn).